The following is an entry in ClinVar:

ClinVar aggregate classification (germline): Likely pathogenic. Review status: reviewed by expert panel (3 of 4 stars). 2 submissions from 2 submitters: Likely pathogenic (1). 1 of the submissions does not count toward it. Last evaluated 2026-10-02.

Conditions:
Hereditary thrombocytopenia and hematologic cancer predisposition syndrome. Identifiers: Orphanet 71290, MedGen CN281654, MONDO:0011071.

Submissions (2):

ClinGen Myeloid Malignancy Variant Curation Expert Panel
Classification: Likely pathogenic for Hereditary thrombocytopenia and hematologic cancer predisposition syndrome. Last evaluated: 2026-10-02. Review status: reviewed by expert panel. Criteria: ClinGen MyeloMalig ACMG Specifications V3.1. Collection method: curation. Allele origin: germline. Inheritance: Autosomal dominant inheritance.
Comment: NM_001754.5(RUNX1):c.1221C>G (p.Tyr407Ter) is a nonsense variant which is not predicted to undergo NMD (PVS1_Strong). This variant is downstream of c.98 (PM5_Supporting) and is completely absent from all population databases with at least 20x coverage for RUNX1 (PM2_Supporting). In summary, this variant meets criteria to be classified as likely pathogenic. ACMG/AMP criteria applied, as specified by the Myeloid Malignancy Variant Curation Expert Panel for RUNX1: PVS1_Strong, PM5_Supporting, PM2_Supporting.

GeneDx
Classification: Uncertain significance. Last evaluated: 2019-02-13. Review status: criteria provided, single submitter. Criteria: GeneDx Variant Classification Process June 2021. Collection method: clinical testing. Allele origin: germline. Affected: yes. Not counted in ClinVar's aggregate classification.
Comment: Not observed in large population cohorts (Lek et al., 2016; McVean et al., 2012; Exome Variant Server); Nonsense variant predicted to result in protein truncation, although loss-of-function variants have not been reported downstream of this position in the protein; Has not been previously published as pathogenic or benign to our knowledge

NM_001754.5(RUNX1):c.1221C>G (p.Tyr407Ter)

Gene: RUNX1 (RUNX family transcription factor 1; minus strand). Cytogenetic location: 21q22.12.
Variant type: single nucleotide variant.
Coding change: c.1221C>G on transcript NM_001754.5 (MANE Select); coding-DNA position 1221, C replaced by G.
Protein change: p.Tyr407Ter; replaces tyrosine 407 with a stop codon.
Molecular consequence: nonsense.
Genome position (GRCh38, 1-based): chr21:34,792,357, G>C on the plus strand (C>G on the coding strand, the complement: RUNX1 is on the minus strand). VCF-style: chr21-34792357-G-C. GRCh37 (hg19) VCF-style: chr21-36164654-G-C.
Other names: NM_001754.5(RUNX1):c.1221C>G; p.Tyr407Ter; c.1140C>G, p.Tyr380Ter (NM_001001890.3); short protein forms Y380*, Y407*.
Identifiers: ClinVar variation 1211932 (VCV001211932.5), dbSNP rs914897271, ClinGen allele CA410147747.